The following is an entry in ClinVar:

NM_144508.5(KNL1):c.3388A>G (p.Arg1130Gly)

Gene: KNL1 (kinetochore scaffold 1; plus strand). Cytogenetic location: 15q15.1.
Variant type: single nucleotide variant.
Coding change: c.3388A>G on transcript NM_144508.5 (MANE Select); coding-DNA position 3388, A replaced by G.
Protein change: p.Arg1130Gly; replaces arginine 1130 with glycine.
Molecular consequence: missense variant.
Genome position (GRCh38, 1-based): chr15:40,623,652, A>G. VCF-style: chr15-40623652-A-G. GRCh37 (hg19) VCF-style: chr15-40915850-A-G.
Other names: c.3466A>G, p.Arg1156Gly (NM_170589.5); short protein forms R1130G, R1156G.
Identifiers: ClinVar variation 3234562 (VCV003234562.20), dbSNP rs1038086807, ClinGen allele CA268826720.

ClinVar aggregate classification (germline): Uncertain significance (1 of 4 stars; one submission).

Allele frequency attached by ClinVar (database versions not stated): gnomAD exomes 0.00001; gnomAD 0.00002; TOPMed 0.00002.
gnomAD v4.1: 13 of 1,613,788 alleles (0.00081%); highest among the groups gnomAD compares: Non-Finnish European, 0.001%; no homozygotes.

Submission:

CeGaT Center for Human Genetics Tuebingen
Classification: Uncertain significance. Last evaluated: 2024-04-01. Review status: criteria provided, single submitter. Criteria: CeGaT Center For Human Genetics Tuebingen Variant Classification Criteria Version 2. Collection method: clinical testing. Allele origin: germline. Affected: yes. Observed: 1 variant allele.
Comment: KNL1: PM2, BP4